The following is an entry in ClinVar:

NM_001173467.3(SP7):c.100C>T (p.Arg34Trp)

Gene: SP7 (Sp7 transcription factor; minus strand). Cytogenetic location: 12q13.13.
Variant type: single nucleotide variant.
Coding change: c.100C>T on transcript NM_001173467.3 (MANE Select); coding-DNA position 100, C replaced by T.
Protein change: p.Arg34Trp; replaces arginine 34 with tryptophan.
Molecular consequence: missense variant.
Genome position (GRCh38, 1-based): chr12:53,329,342, G>A on the plus strand (C>T on the coding strand, the complement: SP7 is on the minus strand). VCF-style: chr12-53329342-G-A. GRCh37 (hg19) VCF-style: chr12-53723126-G-A.
Other names: c.46C>T, p.Arg16Trp (NM_001300837.2); c.100C>T, p.Arg34Trp (NM_152860.2); short protein forms R16W, R34W.
Identifiers: ClinVar variation 1940237 (VCV001940237.5), dbSNP rs544873629, ClinGen allele CA6599615.

ClinVar aggregate classification (germline): Uncertain significance (1 of 4 stars; one submission).

Allele frequency attached by ClinVar (database versions not stated): TOPMed 0.00001; ExAC 0.00002; gnomAD 0.00002; gnomAD exomes 0.00002; 1000 Genomes Project 30x 0.00016; 1000 Genomes Project 0.00020.

Submission:

Labcorp Genetics (formerly Invitae), Labcorp
Classification: Uncertain significance. Last evaluated: 2022-10-17. Review status: criteria provided, single submitter. Criteria: Invitae Variant Classification Sherloc (09022015). Collection method: clinical testing. Allele origin: germline.
Comment: This sequence change replaces arginine, which is basic and polar, with tryptophan, which is neutral and slightly polar, at codon 34 of the SP7 protein (p.Arg34Trp). This variant is present in population databases (rs544873629, gnomAD 0.03%). In summary, the available evidence is currently insufficient to determine the role of this variant in disease. Therefore, it has been classified as a Variant of Uncertain Significance. Algorithms developed to predict the effect of missense changes on protein structure and function are either unavailable or do not agree on the potential impact of this missense change (SIFT: "Deleterious"; PolyPhen-2: "Possibly Damaging"; Align-GVGD: "Class C0"). This variant has not been reported in the literature in individuals affected with SP7-related conditions.